The following is an entry in ClinVar:

NM_176787.5(PIGN):c.1869A>G (p.Ala623=)

Gene: PIGN (phosphatidylinositol glycan anchor biosynthesis class N; minus strand). Cytogenetic location: 18q21.33.
Variant type: single nucleotide variant.
Coding change: c.1869A>G on transcript NM_176787.5 (MANE Select); coding-DNA position 1869, A replaced by G.
Protein change: p.Ala623=; no amino-acid change (alanine 623 retained).
Molecular consequence: synonymous variant.
Genome position (GRCh38, 1-based): chr18:62,102,893, T>C on the plus strand (A>G on the coding strand, the complement: PIGN is on the minus strand). VCF-style: chr18-62102893-T-C. GRCh37 (hg19) VCF-style: chr18-59770126-T-C.
Other names: c.1869A>G, p.Ala623= (NM_012327.6).
Identifiers: ClinVar variation 539566 (VCV000539566.34), dbSNP rs763671604, ClinGen allele CA8982148.

ClinVar aggregate classification (germline): Likely benign. Review status: criteria provided, multiple submitters, no conflicts (2 of 4 stars). 2 submissions from 2 submitters: Likely benign (2). Last evaluated 2026-07-01.

Conditions:
Multiple congenital anomalies-hypotonia-seizures syndrome 1 (MCAHS1). Also called: PIGN-CDG; Congenital disorder of glycosylation due to PIGN deficiency; GLYCOSYLPHOSPHATIDYLINOSITOL BIOSYNTHESIS DEFECT 3. Identifiers: Orphanet 280633, MedGen C3279775, MONDO:0013563, OMIM 614080.

Allele frequency attached by ClinVar (database versions not stated): gnomAD exomes 0.00001; ExAC 0.00005.
gnomAD v4.1: 16 of 1,561,228 alleles (0.001%); highest among the groups gnomAD compares: Non-Finnish European, 0.0014%; no homozygotes.

Submissions (2):

CeGaT Center for Human Genetics Tuebingen
Classification: Likely benign. Last evaluated: 2026-07-01. Review status: criteria provided, single submitter. Criteria: CeGaT Center For Human Genetics Tuebingen Variant Classification Criteria Version 2. Collection method: clinical testing. Allele origin: germline. Affected: yes. Observed: 2 variant alleles.
Comment: PIGN: BP4, BP7

Labcorp Genetics (formerly Invitae), Labcorp
Classification: Likely benign for Multiple congenital anomalies-hypotonia-seizures syndrome 1. Last evaluated: 2025-09-20. Review status: criteria provided, single submitter. Criteria: Invitae Variant Classification Sherloc (09022015). Collection method: clinical testing. Allele origin: germline.